The following is an entry in ClinVar:

NM_000780.4(CYP7A1):c.285T>A (p.Phe95Leu)

Gene: CYP7A1 (cytochrome P450 family 7 subfamily A member 1; minus strand). Cytogenetic location: 8q12.1.
Variant type: single nucleotide variant.
Coding change: c.285T>A on transcript NM_000780.4 (MANE Select); coding-DNA position 285, T replaced by A.
Protein change: p.Phe95Leu; replaces phenylalanine 95 with leucine.
Molecular consequence: missense variant.
Genome position (GRCh38, 1-based): chr8:58,498,265, A>T on the plus strand (T>A on the coding strand, the complement: CYP7A1 is on the minus strand). VCF-style: chr8-58498265-A-T. GRCh37 (hg19) VCF-style: chr8-59410824-A-T.
Other names: short protein forms F95L.
Identifiers: ClinVar variation 2842227 (VCV002842227.3), dbSNP rs2487042139, ClinGen allele CA371295661.

ClinVar aggregate classification (germline): Uncertain significance (1 of 4 stars; one submission).

Allele frequency attached by ClinVar (database versions not stated): gnomAD exomes below 0.00001.
gnomAD v4.1: 1 of 1,614,180 alleles (0.000062%); highest among the groups gnomAD compares: Non-Finnish European, 0.000085%; no homozygotes.

Submission:

Labcorp Genetics (formerly Invitae), Labcorp
Classification: Uncertain significance. Last evaluated: 2023-03-02. Review status: criteria provided, single submitter. Criteria: Invitae Variant Classification Sherloc (09022015). Collection method: clinical testing. Allele origin: germline.
Comment: Advanced modeling of protein sequence and biophysical properties (such as structural, functional, and spatial information, amino acid conservation, physicochemical variation, residue mobility, and thermodynamic stability) performed at Invitae indicates that this missense variant is not expected to disrupt CYP7A1 protein function. In summary, the available evidence is currently insufficient to determine the role of this variant in disease. Therefore, it has been classified as a Variant of Uncertain Significance. This variant has not been reported in the literature in individuals affected with CYP7A1-related conditions. This variant is not present in population databases (gnomAD no frequency). This sequence change replaces phenylalanine, which is neutral and non-polar, with leucine, which is neutral and non-polar, at codon 95 of the CYP7A1 protein (p.Phe95Leu).